The following is an entry in ClinVar:

ClinVar aggregate classification (germline): Uncertain significance (1 of 4 stars; one submission).

Conditions:
Atrial fibrillation, familial, 18 (ATFB18). Identifiers: MedGen C4310636, MONDO:0015001, OMIM 617280.

Allele frequency attached by ClinVar (database versions not stated): gnomAD exomes below 0.00001; gnomAD 0.00005; TOPMed 0.00005; ESP Exome Variant Server 0.00015.

Submission:

Labcorp Genetics (formerly Invitae), Labcorp
Classification: Uncertain significance for Atrial fibrillation, familial, 18. Last evaluated: 2026-02-03. Review status: criteria provided, single submitter. Criteria: Invitae Variant Classification Sherloc (09022015). Collection method: clinical testing. Allele origin: germline.
Comment: This sequence change replaces serine, which is neutral and polar, with asparagine, which is neutral and polar, at codon 43 of the MYL4 protein (p.Ser43Asn). This variant is present in population databases (rs146860407, gnomAD 0.03%). This variant has not been reported in the literature in individuals affected with MYL4-related conditions. ClinVar contains an entry for this variant (Variation ID: 852295). An algorithm developed to predict the effect of missense changes on protein structure and function (PolyPhen-2) suggests that this variant is likely to be tolerated. In summary, the available evidence is currently insufficient to determine the role of this variant in disease. Therefore, it has been classified as a Variant of Uncertain Significance.

NM_002476.2(MYL4):c.128G>A (p.Ser43Asn)

Gene: MYL4 (myosin light chain 4; plus strand). Cytogenetic location: 17q21.32.
Variant type: single nucleotide variant.
Coding change: c.128G>A on transcript NM_002476.2 (MANE Select); coding-DNA position 128, G replaced by A.
Protein change: p.Ser43Asn; replaces serine 43 with asparagine.
Molecular consequence: missense variant.
Genome position (GRCh38, 1-based): chr17:47,209,550, G>A. VCF-style: chr17-47209550-G-A. GRCh37 (hg19) VCF-style: chr17-45286916-G-A.
Other names: c.128G>A, p.Ser43Asn (NM_001002841.2); short protein forms S43N.
Identifiers: ClinVar variation 852295 (VCV000852295.9), dbSNP rs146860407, ClinGen allele CA291221734.
Genomic context (GRCh38, chr17:47,209,550, plus strand): 5'-CTGCACCAGCCCCTGCCCCAGCTCCTGAGGCTCCCAAGGAACCTGCCTTTGACCCCAAGA[G>A]TGTAAAGGTAAGTGAGGCTCAGCCATTGGGATAGAGGTGGGGATGACATTGAGAGTCCTT-3'
Protein context (NP_002467.1, residues 33-53): APKEPAFDPK[Ser43Asn]VKIDFTADQI